The following is an entry in ClinVar:

NM_001363711.2(DUOX2):c.3906G>A (p.Trp1302Ter)

Gene: DUOX2 (dual oxidase 2; minus strand). Cytogenetic location: 15q21.1.
Variant type: single nucleotide variant.
Coding change: c.3906G>A on transcript NM_001363711.2 (MANE Select); coding-DNA position 3906, G replaced by A.
Protein change: p.Trp1302Ter; replaces tryptophan 1302 with a stop codon.
Molecular consequence: nonsense.
Genome position (GRCh38, 1-based): chr15:45,096,002, C>T on the plus strand (G>A on the coding strand, the complement: DUOX2 is on the minus strand). VCF-style: chr15-45096002-C-T. GRCh37 (hg19) VCF-style: chr15-45388200-C-T.
Other names: c.3906G>A, p.Trp1302Ter (NM_014080.5); short protein forms W1302*.
Identifiers: ClinVar variation 4709439 (VCV004709439.1).
Genomic context (GRCh38, chr15:45,096,002, plus strand): 5'-GGAGGTCAGTGTGAAGGGGTGGTACTCGGTGGTCCCCAGAGCCAGGCAGGCGATCCGCAC[C>T]CACTGTCCTGACTTGTACTCAAAGCCTTGGGGCCTCTGGAATTGCAGGTAGGTCACTCCT-3'

ClinVar aggregate classification (germline): Pathogenic (1 of 4 stars; one submission).

gnomAD v4.1: 1 of 1,614,104 alleles (0.000062%); highest among the groups gnomAD compares: Non-Finnish European, 0.000085%; no homozygotes.

Submission:

Labcorp Genetics (formerly Invitae), Labcorp
Classification: Pathogenic. Last evaluated: 2025-08-29. Review status: criteria provided, single submitter. Criteria: Invitae Variant Classification Sherloc (09022015). Collection method: clinical testing. Allele origin: germline.
Comment: This sequence change creates a premature translational stop signal (p.Trp1302*) in the DUOX2 gene. It is expected to result in an absent or disrupted protein product. Loss-of-function variants in DUOX2 are known to be pathogenic (PMID: 12110737, 18765513, 21565790, 24423310, 24735383). This variant is not present in population databases (gnomAD no frequency). This variant has not been reported in the literature in individuals affected with DUOX2-related conditions. For these reasons, this variant has been classified as Pathogenic.

Literature cited by the submitters: PubMed 12110737; PubMed 18765513; PubMed 21565790; PubMed 24423310; PubMed 24735383.